The following is an entry in ClinVar:

NM_001206979.2(NR1H4):c.80-7395T>A

Gene: NR1H4 (nuclear receptor subfamily 1 group H member 4; plus strand). Cytogenetic location: 12q23.1.
Variant type: single nucleotide variant.
Coding change: c.80-7395T>A on transcript NM_001206979.2 (MANE Select); 7395 bases into the intron before coding-DNA position 80, T replaced by A.
Molecular consequence: intron variant. On other transcripts: 5 prime UTR variant (2).
Genome position (GRCh38, 1-based): chr12:100,503,383, T>A. VCF-style: chr12-100503383-T-A. GRCh37 (hg19) VCF-style: chr12-100897161-T-A.
Other names: c.-5T>A (NM_001206992.2, NM_001206993.2); c.80-7395T>A (NM_001206977.2, NM_005123.4, NM_001206978.2).
Identifiers: ClinVar variation 2635685 (VCV002635685.8), dbSNP rs373472692, ClinGen allele CA6739137.

ClinVar aggregate classification (germline): Likely benign. Review status: criteria provided, multiple submitters, no conflicts (2 of 4 stars). 2 submissions from 2 submitters: Likely benign (2). Last evaluated 2026-08-21.

Conditions:
NR1H4-related disorder. Also called: NR1H4-related condition.

Allele frequency attached by ClinVar (database versions not stated): gnomAD exomes 0.00003; ExAC 0.00010; ESP Exome Variant Server 0.00017; 1000 Genomes Project 0.00020; gnomAD 0.00029; 1000 Genomes Project 30x 0.00031; TOPMed 0.00037.
gnomAD v4.1: 82 of 1,596,224 alleles (0.0051%); highest among the groups gnomAD compares: African/African-American, 0.1%; no homozygotes.

Submissions (2):

PreventionGenetics, part of Exact Sciences
Classification: Likely benign for NR1H4-related condition. Last evaluated: 2026-08-21. Review status: criteria provided, single submitter. Criteria: ACMG Guidelines, 2015. Collection method: clinical testing. Allele origin: germline.
Comment: This variant is classified as likely benign based on ACMG/AMP sequence variant interpretation guidelines (Richards et al. 2015 PMID: 25741868, with internal and published modifications).

CeGaT Center for Human Genetics Tuebingen
Classification: Likely benign. Last evaluated: 2025-11-01. Review status: criteria provided, single submitter. Criteria: CeGaT Center For Human Genetics Tuebingen Variant Classification Criteria Version 2. Collection method: clinical testing. Allele origin: germline. Affected: yes. Observed: 1 variant allele.
Comment: NR1H4: BP4